The following is an entry in ClinVar:

NM_005465.7(AKT3):c.1241A>G (p.Tyr414Cys)

Gene: AKT3 (AKT serine/threonine kinase 3; minus strand). Cytogenetic location: 1q44.
Variant type: single nucleotide variant.
Coding change: c.1241A>G on transcript NM_005465.7 (MANE Select); coding-DNA position 1241, A replaced by G.
Protein change: p.Tyr414Cys; replaces tyrosine 414 with cysteine.
Molecular consequence: missense variant.
Genome position (GRCh38, 1-based): chr1:243,545,520, T>C on the plus strand (A>G on the coding strand, the complement: AKT3 is on the minus strand). VCF-style: chr1-243545520-T-C. GRCh37 (hg19) VCF-style: chr1-243708822-T-C.
Other names: c.1241A>G, p.Tyr414Cys (NM_001206729.2, NM_001370074.1, NM_181690.2); short protein forms Y414C.
Identifiers: ClinVar variation 931499 (VCV000931499.4), dbSNP rs1048970120, ClinGen allele CA41022931.
Genomic context (GRCh38, chr1:243,545,520, plus strand): 5'-TTAGCAGTGCAGCCAAAATATATACACACTATGCCATAAAGAAATCTTACCTTTTTATCA[T>C]ATACATCTTGCCAGTTTACTCCAGAGAAGAAACTGTGTCTCATAATTTCTTTTGCATCAT-3'
Protein context (NP_005456.1, residues 404-424): FFSGVNWQDV[Tyr414Cys]DKKLVPPFKP

ClinVar aggregate classification (germline): Uncertain significance. Review status: criteria provided, multiple submitters, no conflicts (2 of 4 stars). 2 submissions from 2 submitters: Uncertain significance (2). Last evaluated 2019-11-22.

Conditions:
Megalencephaly-polymicrogyria-polydactyly-hydrocephalus syndrome 2 (MPPH2). Also called: MEGALENCEPHALY-POLYMICROGYRIA-POLYDACTYLY-HYDROCEPHALUS SYNDROME 2, SOMATIC. Identifiers: Orphanet 83473, MedGen C4014738, MONDO:0014407, OMIM 615937.

Allele frequency attached by ClinVar (database versions not stated): gnomAD exomes below 0.00001 and 0.00001; gnomAD 0.00001; TOPMed 0.00002.

Submissions (2):

Blueprint Genetics
Classification: Uncertain significance. Last evaluated: 2019-11-22. Review status: criteria provided, single submitter. Criteria: ACMG Guidelines, 2015. Collection method: clinical testing. Allele origin: germline.

Centre for Mendelian Genomics, University Medical Centre Ljubljana
Classification: Uncertain significance for Megalencephaly-polymicrogyria-polydactyly-hydrocephalus syndrome 2. Last evaluated: 2019-02-25. Review status: criteria provided, single submitter. Criteria: ACMG Guidelines, 2015. Collection method: clinical testing. Allele origin: unknown. Affected: yes.
Comment: This variant was classified as: Uncertain significance. The available evidence on this variant's pathogenicity is insufficient or conflicting. The following ACMG criteria were applied in classifying this variant: PM2,PP3.